The following is an entry in ClinVar:

ClinVar aggregate classification (germline): Likely benign (0 of 4 stars; one submission).

Conditions:
ADAMTSL1-related disorder. Also called: ADAMTSL1-related condition.

Allele frequency attached by ClinVar (database versions not stated): gnomAD 0.00003; TOPMed 0.00009; gnomAD exomes 0.00013; 1000 Genomes Project 30x 0.00016; 1000 Genomes Project 0.00020; ExAC 0.00030.
gnomAD v4.1: 83 of 1,613,950 alleles (0.0051%); highest among the groups gnomAD compares: Admixed American, 0.14%; no homozygotes.

Submission:

PreventionGenetics, part of Exact Sciences
Classification: Likely benign for ADAMTSL1-related condition. Last evaluated: 2022-12-29. Review status: no assertion criteria provided. Collection method: clinical testing. Allele origin: germline.
Comment: This variant is classified as likely benign based on ACMG/AMP sequence variant interpretation guidelines (Richards et al. 2015 PMID: 25741868, with internal and published modifications).

NM_001040272.6(ADAMTSL1):c.4415A>G (p.Gln1472Arg)

Gene: ADAMTSL1 (ADAMTS like 1; plus strand). Cytogenetic location: 9p22.1.
Variant type: single nucleotide variant.
Coding change: c.4415A>G on transcript NM_001040272.6 (MANE Select); coding-DNA position 4415, A replaced by G.
Protein change: p.Gln1472Arg; replaces glutamine 1472 with arginine.
Molecular consequence: missense variant.
Genome position (GRCh38, 1-based): chr9:18,887,996, A>G. VCF-style: chr9-18887996-A-G. GRCh37 (hg19) VCF-style: chr9-18887994-A-G.
Other names: short protein forms Q1472R.
Identifiers: ClinVar variation 3038605 (VCV003038605.2), dbSNP rs192971740, ClinGen allele CA5000048.